The following is an entry in ClinVar:

ClinVar aggregate classification (germline): Pathogenic (1 of 4 stars; one submission).

Submission:

Labcorp Genetics (formerly Invitae), Labcorp
Classification: Pathogenic. Last evaluated: 2021-12-03. Review status: criteria provided, single submitter. Criteria: Invitae Variant Classification Sherloc (09022015). Collection method: clinical testing. Allele origin: germline.
Comment: This sequence change creates a premature translational stop signal (p.Arg519Glnfs*36) in the ADAMTSL4 gene. It is expected to result in an absent or disrupted protein product. Loss-of-function variants in ADAMTSL4 are known to be pathogenic (PMID: 20564469, 28642162). This variant is not present in population databases (gnomAD no frequency). This variant has not been reported in the literature in individuals affected with ADAMTSL4-related conditions. ClinVar contains an entry for this variant (Variation ID: 1070031). For these reasons, this variant has been classified as Pathogenic.

Literature cited by the submitters: PubMed 20564469; PubMed 28642162.

NM_019032.6(ADAMTSL4):c.1556_1566del (p.Arg519fs)

Genes: ADAMTSL4-AS2 (ADAMTSL4 antisense RNA 2; minus strand), ADAMTSL4 (ADAMTS like 4; plus strand). Cytogenetic location: 1q21.2.
Variant type: Deletion.
Coding change: c.1556_1566del on transcript NM_019032.6 (MANE Select); coding-DNA positions 1556 to 1566, 11 bases deleted (GGCCTAGCTCC).
Protein change: p.Arg519fs; shifts the reading frame from arginine 519.
Molecular consequence: frameshift variant.
Genome position (GRCh38, 1-based): chr1:150,556,346-150,556,356, GGCCTAGCTCC deleted; deleting any 11 consecutive bases within chr1:150,556,340-150,556,356 gives the same sequence; the c. name uses the placement nearest the transcript's 3' end. VCF-style (leftmost placement, unchanged base first): chr1-150556339-CAGCTCCGGCCT-C. GRCh37 (hg19) VCF-style: chr1-150528815-CAGCTCCGGCCT-C.
Other names: c.1625_1635del, p.Arg542fs (NM_001288607.2, NM_001288608.2); c.1556_1566del, p.Arg519fs (NM_001378596.1, NM_025008.5); short protein forms R519fs, R542fs.
Identifiers: ClinVar variation 1070031 (VCV001070031.7), dbSNP rs1672114679, ClinGen allele CA2479210417.
Genomic context (GRCh38, chr1:150,556,339, plus strand): 5'-CCCCTGGGCTATCAGAAGATCTTGTGGATTCCAGCGGGAGCCTTGCGGCTCCAGATTGCC[CAGCTCCGGCCT>C]AGCTCCAACTACCTGGGTGAGCACCCAGCTGCCTCCCCTTCCACTTCCGTCTCTGTTCGG-3'